The following is an entry in ClinVar:

ClinVar aggregate classification (germline): Likely benign. Review status: criteria provided, multiple submitters, no conflicts (2 of 4 stars). 2 submissions from 2 submitters: Likely benign (2). Last evaluated 2025-09-02.

Conditions:
Charcot-Marie-Tooth disease type 4. Also called: Charcot-Marie-Tooth disease, type IV; Charcot-Marie-Tooth, Type 4. Identifiers: Orphanet 64749, MedGen C4082197, MONDO:0018995.

Allele frequency attached by ClinVar (database versions not stated): TOPMed 0.00001; ExAC 0.00002; gnomAD 0.00002.

Submissions (2):

Mayo Clinic Laboratories, Mayo Clinic
Classification: Likely benign. Last evaluated: 2025-09-02. Review status: criteria provided, single submitter. Criteria: ACMG Guidelines, 2015. Collection method: clinical testing. Allele origin: germline. Observed: 1 variant allele.
Comment: BP4, BP7

Labcorp Genetics (formerly Invitae), Labcorp
Classification: Likely benign for Charcot-Marie-Tooth disease type 4. Last evaluated: 2024-04-29. Review status: criteria provided, single submitter. Criteria: Invitae Variant Classification Sherloc (09022015). Collection method: clinical testing. Allele origin: germline.

NM_181882.3(PRX):c.3036C>T (p.Ala1012=)

Gene: PRX (periaxin; minus strand). Cytogenetic location: 19q13.2.
Variant type: single nucleotide variant.
Coding change: c.3036C>T on transcript NM_181882.3 (MANE Select); coding-DNA position 3036, C replaced by T.
Protein change: p.Ala1012=; no amino-acid change (alanine 1012 retained).
Molecular consequence: synonymous variant. On other transcripts: 3 prime UTR variant (1).
Genome position (GRCh38, 1-based): chr19:40,395,316, G>A on the plus strand (C>T on the coding strand, the complement: PRX is on the minus strand). VCF-style: chr19-40395316-G-A. GRCh37 (hg19) VCF-style: chr19-40901223-G-A.
Other names: p.Ala1012=; c.3321C>T, p.Ala1107= (NM_001411127.1); c.*3241C>T (NM_020956.2).
Identifiers: ClinVar variation 2720663 (VCV002720663.4), dbSNP rs767439555, ClinGen allele CA9443933.
Genomic context (GRCh38, chr19:40,395,316, plus strand): 5'-GTCCCGGCCTCTGACCCCAAACTTGGGGAGAGCAAACCTGGGCCCCTTGAACTTGAGGTC[G>A]GCCCCTGCCACCTCTACCTTGCCTGAGGGCAGGTGGGCATCCAGGCTGAGCTGTGGGATG-3'
Protein context (NP_870998.2, residues 1002-1022): LPSGKVEVAG[Ala1012=]DLKFKGPRFA